The following is an entry in ClinVar:

ClinVar aggregate classification (germline): Pathogenic (1 of 4 stars; one submission).

Conditions:
Hereditary cancer-predisposing syndrome. Also called: Hereditary Cancer Syndrome; Neoplastic Syndromes, Hereditary; Hereditary neoplastic syndrome; Tumor predisposition. Identifiers: Orphanet 140162, MedGen C0027672, MeSH D009386, MONDO:0015356.

Submission:

Ambry Genetics
Classification: Pathogenic for Hereditary cancer-predisposing syndrome. Last evaluated: 2015-03-12. Review status: criteria provided, single submitter. Criteria: Ambry Variant Classification Scheme 2023. Collection method: clinical testing. Allele origin: germline.
Comment: The c.2426delA pathogenic mutation, located in coding exon 15 of the APC gene, results from a deletion of one nucleotide at nucleotide position 2426, causing a translational frameshift with a predicted alternate stop codon. Since frameshifts are typically deleterious in nature, this alteration is interpreted as a disease-causing mutation (ACMG Recommendations for Standards for Interpretation and Reporting of Sequence Variations. Revision 2007. Genet Med. 2008;10:294).

NM_000038.6(APC):c.2426del (p.Asn809fs)

Gene: APC (APC regulator of Wnt signaling pathway; plus strand). Cytogenetic location: 5q22.2.
Variant type: Deletion.
Coding change: c.2426del on transcript NM_000038.6 (MANE Select); coding-DNA position 2426, one base deleted (A; older notation c.2426delA).
Protein change: p.Asn809fs; shifts the reading frame from asparagine 809.
Molecular consequence: frameshift variant.
Genome position (GRCh38, 1-based): chr5:112,838,020, A deleted; the last of 2 consecutive A bases (chr5:112,838,019-112,838,020); deleting either gives the same sequence. VCF-style (leftmost placement, unchanged base first): chr5-112838018-TA-T. GRCh37 (hg19) VCF-style: chr5-112173715-TA-T.
Other names: c.2426del, p.Asn809fs (NM_001127510.3, NM_001354895.2); c.2372del, p.Asn791fs (NM_001127511.3); c.2480del, p.Asn827fs (NM_001354896.2); c.2456del, p.Asn819fs (NM_001354897.2); c.2351del, p.Asn784fs (NM_001354898.2); c.2342del, p.Asn781fs (NM_001354899.2); c.2303del, p.Asn768fs (NM_001354900.2); c.2249del, p.Asn750fs (NM_001354901.2); and 5 more; short protein forms N526fs, N718fs, N784fs, N809fs, N819fs, N649fs, N683fs, N827fs.
Identifiers: ClinVar variation 428130 (VCV000428130.5), dbSNP rs1114167573, ClinGen allele CA645369354.